The following is an entry in ClinVar:

NM_000397.4(CYBB):c.113_119dup (p.Phe40fs)

Gene: CYBB (cytochrome b-245 beta chain; plus strand). Cytogenetic location: Xp21.1.
Variant type: Duplication.
Coding change: c.113_119dup on transcript NM_000397.4 (MANE Select); coding-DNA positions 113 to 119, 7 bases duplicated (AGTTCTT; older notation c.113_119dupAGTTCTT).
Protein change: p.Phe40fs; shifts the reading frame from phenylalanine 40.
Molecular consequence: frameshift variant.
Genome position (GRCh38, 1-based): chrX:37,782,155-37,782,161, AGTTCTT duplicated. VCF-style (leftmost placement, unchanged base first): chrX-37782154-A-AAGTTCTT. GRCh37 (hg19) VCF-style: chrX-37641407-A-AAGTTCTT.
Other names: short protein forms F40fs.
Identifiers: ClinVar variation 3646865 (VCV003646865.2).

ClinVar aggregate classification (germline): Pathogenic (1 of 4 stars; one submission).

Conditions:
Granulomatous disease, chronic, X-linked. Also called: CYTOCHROME b-NEGATIVE GRANULOMATOUS DISEASE, CHRONIC, X-LINKED; GRANULOMATOUS DISEASE, CHRONIC, X-LINKED, SOMATIC MOSAIC. Identifiers: Orphanet 379, MedGen C1844376, MONDO:0010600, OMIM 306400.

Submission:

Labcorp Genetics (formerly Invitae), Labcorp
Classification: Pathogenic for Granulomatous disease, chronic, X-linked. Last evaluated: 2024-08-02. Review status: criteria provided, single submitter. Criteria: Invitae Variant Classification Sherloc (09022015). Collection method: clinical testing. Allele origin: germline.
Comment: This sequence change creates a premature translational stop signal (p.Phe40Leufs*65) in the CYBB gene. It is expected to result in an absent or disrupted protein product. Loss-of-function variants in CYBB are known to be pathogenic (PMID: 9585602, 20729109). This variant is not present in population databases (gnomAD no frequency). This variant has not been reported in the literature in individuals affected with CYBB-related conditions. Algorithms developed to predict the effect of sequence changes on RNA splicing suggest that this variant may disrupt the consensus splice site. For these reasons, this variant has been classified as Pathogenic.

Literature cited by the submitters: PubMed 9585602; PubMed 20729109.